The following is an entry in ClinVar:

ClinVar aggregate classification (germline): Uncertain significance. Review status: criteria provided, multiple submitters, no conflicts (2 of 4 stars). 2 submissions from 2 submitters: Uncertain significance (2). Last evaluated 2025-05-26.

gnomAD v4.1: 1 of 1,613,860 alleles (0.000062%); highest among the groups gnomAD compares: Non-Finnish European, 0.000085%; no homozygotes.

Submissions (2):

Labcorp Genetics (formerly Invitae), Labcorp
Classification: Uncertain significance. Last evaluated: 2025-05-26. Review status: criteria provided, single submitter. Criteria: Invitae Variant Classification Sherloc (09022015). Collection method: clinical testing. Allele origin: germline.
Comment: This sequence change replaces isoleucine, which is neutral and non-polar, with threonine, which is neutral and polar, at codon 625 of the IMPG1 protein (p.Ile625Thr). This variant is not present in population databases (gnomAD no frequency). This variant has not been reported in the literature in individuals affected with IMPG1-related conditions. ClinVar contains an entry for this variant (Variation ID: 1334481). An algorithm developed to predict the effect of missense changes on protein structure and function (PolyPhen-2) suggests that this variant is likely to be disruptive. In summary, the available evidence is currently insufficient to determine the role of this variant in disease. Therefore, it has been classified as a Variant of Uncertain Significance.

Greenwood Genetic Center Diagnostic Laboratories, Greenwood Genetic Center
Classification: Uncertain significance. Last evaluated: 2021-06-17. Review status: criteria provided, single submitter. Criteria: ACMG Guidelines, 2015. Collection method: clinical testing. Allele origin: germline. Affected: yes.
Comment: PP3, PM2

NM_001563.4(IMPG1):c.1874T>C (p.Ile625Thr)

Gene: IMPG1 (interphotoreceptor matrix proteoglycan 1; minus strand). Cytogenetic location: 6q14.1.
Variant type: single nucleotide variant.
Coding change: c.1874T>C on transcript NM_001563.4 (MANE Select); coding-DNA position 1874, T replaced by C.
Protein change: p.Ile625Thr; replaces isoleucine 625 with threonine.
Molecular consequence: missense variant.
Genome position (GRCh38, 1-based): chr6:75,947,484, A>G on the plus strand (T>C on the coding strand, the complement: IMPG1 is on the minus strand). VCF-style: chr6-75947484-A-G. GRCh37 (hg19) VCF-style: chr6-76657201-A-G.
Other names: c.1640T>C, p.Ile547Thr (NM_001282368.2); short protein forms I547T, I625T.
Identifiers: ClinVar variation 1334481 (VCV001334481.5), dbSNP rs2149456228, ClinGen allele CA364775685.